The following is an entry in ClinVar:

ClinVar aggregate classification (germline): Pathogenic/Likely pathogenic. Review status: criteria provided, multiple submitters, no conflicts (2 of 4 stars). 8 submissions from 8 submitters: Pathogenic (3); Likely pathogenic (4). 1 of the submissions does not count toward it. Last evaluated 2025-06-01.

Conditions:
RTEL1-related disorder. Also called: RTEL1-related disorders; RTEL1-related condition.
Dyskeratosis congenita, autosomal recessive 5 (DKCB5). Identifiers: MedGen C3554656, MONDO:0014076, OMIM 615190.
Pulmonary fibrosis and/or bone marrow failure, Telomere-related, 3. Also called: PULMONARY FIBROSIS AND/OR BONE MARROW FAILURE SYNDROME, TELOMERE-RELATED, 3. Identifiers: Orphanet 2032, MedGen C4225346, MONDO:0014613, OMIM 616373.
Dyskeratosis congenita. Identifiers: Orphanet 1775, MedGen C0265965, MONDO:0015780.

Allele frequency attached by ClinVar (database versions not stated): gnomAD 0.00001; gnomAD exomes 0.00001; TOPMed 0.00001; ExAC 0.00002.

Submissions (8):

Labcorp Genetics (formerly Invitae), Labcorp
Classification: Pathogenic for Dyskeratosis congenita, autosomal recessive 5; Pulmonary fibrosis and/or bone marrow failure, Telomere-related, 3. Last evaluated: 2025-06-01. Review status: criteria provided, single submitter. Criteria: Invitae Variant Classification Sherloc (09022015). Collection method: clinical testing. Allele origin: germline.
Comment: This sequence change creates a premature translational stop signal (p.Gln153Argfs*3) in the RTEL1 gene. It is expected to result in an absent or disrupted protein product. Loss-of-function variants in RTEL1 are known to be pathogenic (PMID: 23453664, 23959892, 25607374). This variant is present in population databases (rs773025155, gnomAD 0.006%). This variant has not been reported in the literature in individuals affected with RTEL1-related conditions. ClinVar contains an entry for this variant (Variation ID: 554560). For these reasons, this variant has been classified as Pathogenic.

Natera, Inc.
Classification: Likely pathogenic for Dyskeratosis congenita. Last evaluated: 2025-03-03. Review status: criteria provided, single submitter. Criteria: Natera Variant Classification Schema (03/2026). Collection method: clinical testing. Allele origin: germline.
Comment: The c.530_531del variant in RTEL1 is a frameshift variant predicted to shift the reading frame beginning at codon 177 and leads to a stop codon 3 codons downstream. This variant is expected to result in nonsense mediated decay, truncation, or a dysfunctional protein product. This variant is rare in the general population with a frequency below the threshold expected for the associated phenotype(s). Given the available evidence, this variant is classified as Likely Pathogenic.

PreventionGenetics, part of Exact Sciences
Classification: Likely pathogenic for RTEL1-related condition. Last evaluated: 2025-01-31. Review status: criteria provided, single submitter. Criteria: ACMG Guidelines, 2015. Collection method: clinical testing. Allele origin: germline.
Comment: The RTEL1 c.530_531delAA variant is predicted to result in a frameshift and premature protein termination (p.Gln177Argfs*3). To our knowledge, this variant has not been reported in the literature. This variant is reported in 0.0054% of alleles in individuals of East Asian descent in gnomAD. Frameshift variants in RTEL1 are expected to be pathogenic. This variant is interpreted as likely pathogenic.

Genomic Medicine Center of Excellence, King Faisal Specialist Hospital and Research Centre
Classification: Pathogenic for Dyskeratosis congenita, autosomal recessive 5. Last evaluated: 2024-12-19. Review status: criteria provided, single submitter. Criteria: ACMG Guidelines, 2015. Collection method: clinical testing. Allele origin: germline.

Baylor Genetics
Classification: Likely pathogenic for Dyskeratosis congenita, autosomal recessive 5. Last evaluated: 2023-09-08. Review status: criteria provided, single submitter. Criteria: ACMG Guidelines, 2015. Collection method: clinical testing. Allele origin: unknown.

Mayo Clinic Laboratories, Mayo Clinic
Classification: Pathogenic. Last evaluated: 2023-02-24. Review status: criteria provided, single submitter. Criteria: ACMG Guidelines, 2015. Collection method: clinical testing. Allele origin: germline. Observed: 1 variant allele.
Comment: PP4, PS4_moderate, PVS1

GeneDx
Classification: Likely pathogenic. Last evaluated: 2022-06-13. Review status: criteria provided, single submitter. Criteria: GeneDx Variant Classification Process June 2021. Collection method: clinical testing. Allele origin: germline. Affected: yes.
Comment: Frameshift variant predicted to result in protein truncation or nonsense mediated decay in a gene for which loss-of-function is a known mechanism of disease; Not observed at a significant frequency in large population cohorts (gnomAD); Has not been previously published as pathogenic or benign to our knowledge

Counsyl
Classification: Likely pathogenic for Dyskeratosis congenita, autosomal recessive 5. Last evaluated: 2017-10-25. Review status: no assertion criteria provided. Collection method: clinical testing. Allele origin: unknown. Not counted in ClinVar's aggregate classification.

Literature cited by the submitters: PubMed 23453664 (cited by Labcorp Genetics (formerly Invitae), Labcorp); PubMed 23959892 (cited by Labcorp Genetics (formerly Invitae), Labcorp); PubMed 25607374 (cited by Labcorp Genetics (formerly Invitae), Labcorp).

NM_001283009.2(RTEL1):c.458_459del (p.Gln153fs)

Genes: RTEL1 (regulator of telomere elongation helicase 1; plus strand), RTEL1-TNFRSF6B (RTEL1-TNFRSF6B readthrough (NMD candidate); plus strand). Cytogenetic location: 20q13.33.
Variant type: Deletion.
Coding change: c.458_459del on transcript NM_001283009.2 (MANE Select); coding-DNA positions 458 to 459, 2 bases deleted (AA; older notation c.458_459delAA).
Protein change: p.Gln153fs; shifts the reading frame from glutamine 153.
Molecular consequence: frameshift variant. On other transcripts: non-coding transcript variant (1), 5 prime UTR variant (1).
Genome position (GRCh38, 1-based): chr20:63,662,608-63,662,609, AA deleted. VCF-style (leftmost placement, unchanged base first): chr20-63662607-CAA-C. GRCh37 (hg19) VCF-style: chr20-62293960-CAA-C.
Other names: p.Gln177Argfs*3; c.530_531del (NM_032957.4); c.-212_-211del (NM_001283010.1); c.458_459del, p.Gln153fs (NM_016434.4); c.530_531del, p.Gln177fs (NM_032957.5); c.530_531delAA (NM_032957.4); short protein forms Q153fs, Q177fs.
Identifiers: ClinVar variation 554560 (VCV000554560.16), dbSNP rs773025155, ClinGen allele CA9964258.
Genomic context (GRCh38, chr20:63,662,607, plus strand): 5'-CCTAAGGTGTGTGTGCTGGGCTCCCGGGAGCAGCTGTGCATCCATCCTGAGGTGAAGAAA[CAA>C]GAGAGTAACCATCTACAGGTAGGCTCCTGGGCTCCCGCTCCGGCTCAGTGTCCGACAGGC-3'